The following is an entry in ClinVar:

NM_000093.5(COL5A1):c.3484G>A (p.Gly1162Arg)

Gene: COL5A1 (collagen type V alpha 1 chain; plus strand). Cytogenetic location: 9q34.3.
Variant type: single nucleotide variant.
Coding change: c.3484G>A on transcript NM_000093.5 (MANE Select); coding-DNA position 3484, G replaced by A.
Protein change: p.Gly1162Arg; replaces glycine 1162 with arginine.
Molecular consequence: missense variant.
Genome position (GRCh38, 1-based): chr9:134,810,264, G>A. VCF-style: chr9-134810264-G-A. GRCh37 (hg19) VCF-style: chr9-137702110-G-A.
Other names: c.3484G>A, p.Gly1162Arg (NM_001278074.1); short protein forms G1162R.
Identifiers: ClinVar variation 1004733 (VCV001004733.14), dbSNP rs1838467288, ClinGen allele CA375453576.

ClinVar aggregate classification (germline): Conflicting classifications of pathogenicity. Review status: criteria provided, conflicting classifications (1 of 4 stars). 4 submissions from 4 submitters: Likely pathogenic (2); Uncertain significance (2). Last evaluated 2025-02-13.

Conditions:
Ehlers-Danlos syndrome, classic type, 1 (EDSCL1). Also called: EHLERS-DANLOS SYNDROME, GRAVIS TYPE; EHLERS-DANLOS SYNDROME, SEVERE CLASSIC TYPE; EDS I; Ehlers-Danlos Syndrome, Classic Type, COL5A1-Related; Ehlers-Danlos syndrome, type 1. Identifiers: MedGen C0268335, MONDO:0019567, OMIM 130000.

Allele frequency attached by ClinVar (database versions not stated): gnomAD exomes below 0.00001; TOPMed below 0.00001.
gnomAD v4.1: 2 of 1,614,200 alleles (0.00012%); highest among the groups gnomAD compares: Non-Finnish European, 0.00017%; no homozygotes.

Submissions (4):

3billion
Classification: Uncertain significance for Ehlers-Danlos syndrome, classic type, 1. Last evaluated: 2025-02-13. Review status: criteria provided, single submitter. Criteria: ACMG Guidelines, 2015. Collection method: clinical testing. Allele origin: germline. Affected: yes.
Comment: The variant is observed at an extremely low frequency in the gnomAD v4.1.0 dataset (total allele frequency: <0.001%). Predicted Consequence/Location: Missense variant. The majority of the known disease-causing variants of this gene are variants expected to result in premature termination of the protein. In silico tool predictions suggest damaging effect of the variant on gene or gene product [REVEL: 0.99 (>=0.6, sensitivity 0.68 and specificity 0.92); 3Cnet: 0.99 (>=0.6, sensitivity 0.72 and precision 0.9)]. The same nucleotide change resulting in the same amino acid change has been previously reported to be associated with COL5A1-related disorder (PMID: 22696272). However, the evidence of pathogenicity is insufficient at this time. Therefore, this variant is classified as VUS according to the recommendation of ACMG/AMP guideline.

Clinical Genetics Laboratory, Region Ostergotland
Classification: Likely pathogenic for Ehlers-Danlos syndrome, classic type, 1. Last evaluated: 2023-11-09. Review status: criteria provided, single submitter. Criteria: ACMG Guidelines, 2015. Collection method: clinical testing. Allele origin: germline. Affected: yes.
Comment: The following ACMG/AMP criteria were applied in classifying this variant: PM2, PP3_strong

Baylor Genetics
Classification: Likely pathogenic for Ehlers-Danlos syndrome, classic type, 1. Last evaluated: 2023-08-30. Review status: criteria provided, single submitter. Criteria: ACMG Guidelines, 2015. Collection method: clinical testing. Allele origin: unknown.

Labcorp Genetics (formerly Invitae), Labcorp
Classification: Uncertain significance for Ehlers-Danlos syndrome, classic type, 1. Last evaluated: 2020-05-11. Review status: criteria provided, single submitter. Criteria: Invitae Variant Classification Sherloc (09022015). Collection method: clinical testing. Allele origin: germline.
Comment: This variant has been observed in individual(s) with classic Ehlers-Danlos syndrome (PMID: 22696272). This variant is not present in population databases (ExAC no frequency). Glycine residues within the Gly-Xaa-Yaa repeats of the triple helix domain are required for the structure and stability of fibrillar collagens (PMID: 7695699, 8218237, 19344236), and variants at these glycine residues in COL5A1 are more frequently observed in individuals with disease than in the general population (PMID: 22696272, 23587214). However, the clinical significance of this observation remains uncertain since only a limited number of affected individuals have been described to date. This sequence change replaces glycine with arginine at codon 1162 of the COL5A1 protein (p.Gly1162Arg). The glycine residue is highly conserved and there is a moderate physicochemical difference between glycine and arginine. In summary, the available evidence is currently insufficient to determine the role of this variant in disease. Therefore, it has been classified as a Variant of Uncertain Significance. Experimental studies and prediction algorithms are not available or were not evaluated, and the functional significance of this variant is currently unknown.

Literature cited by the submitters: PubMed 22696272 (cited by 3billion and Labcorp Genetics (formerly Invitae), Labcorp); PubMed 7695699 (cited by Labcorp Genetics (formerly Invitae), Labcorp); PubMed 8218237 (cited by Labcorp Genetics (formerly Invitae), Labcorp); PubMed 19344236 (cited by Labcorp Genetics (formerly Invitae), Labcorp); PubMed 23587214 (cited by Labcorp Genetics (formerly Invitae), Labcorp).